The following is an entry in ClinVar:

NM_006852.6(TLK2):c.193del (p.Arg65fs)

Gene: TLK2 (tousled like kinase 2; plus strand). Cytogenetic location: 17q23.2.
Variant type: Deletion.
Coding change: c.193del on transcript NM_006852.6 (MANE Select); coding-DNA position 193, one base deleted (A; older notation c.193delA).
Protein change: p.Arg65fs; shifts the reading frame from arginine 65.
Molecular consequence: frameshift variant. On other transcripts: 5 prime UTR variant (2).
Genome position (GRCh38, 1-based): chr17:62,522,243, A deleted; the last of 4 consecutive A bases (chr17:62,522,240-62,522,243); deleting any one gives the same sequence. VCF-style (leftmost placement, unchanged base first): chr17-62522239-GA-G. GRCh37 (hg19) VCF-style: chr17-60599600-GA-G.
Other names: c.193del, p.Arg65fs (NM_001438203.1, NM_001438204.1, NM_001438205.1 and 6 more transcripts); c.331del, p.Arg111fs (NM_001375269.1); c.-159del (NM_001375273.1, NM_001330418.3); short protein forms R111fs, R65fs.
Identifiers: ClinVar variation 4294073 (VCV004294073.1).

ClinVar aggregate classification (germline): Likely pathogenic (1 of 4 stars; one submission).

Conditions:
Intellectual developmental disorder, autosomal dominant 57. Also called: MENTAL RETARDATION, AUTOSOMAL DOMINANT 57; Intellectual disability, autosomal dominant 57. Identifiers: MedGen C4748003, MONDO:0054837, OMIM 618050.

Submission:

3billion
Classification: Likely pathogenic for Intellectual developmental disorder, autosomal dominant 57. Last evaluated: 2024-06-16. Review status: criteria provided, single submitter. Criteria: ACMG Guidelines, 2015. Collection method: clinical testing. Allele origin: germline. Affected: yes.
Comment: The variant is not observed in the gnomAD v4.0.0 dataset. Predicted Consequence/Location: Frameshift: predicted to result in a loss or disruption of normal protein function through nonsense-mediated decay (NMD) or protein truncation. Multiple pathogenic variants are reported downstream of the variant. Therefore, this variant is classified as Likely pathogenic according to the recommendation of ACMG/AMP guideline.